The following is an entry in ClinVar:

NM_006514.4(SCN10A):c.95A>G (p.Gln32Arg)

Gene: SCN10A (sodium voltage-gated channel alpha subunit 10; minus strand). Cytogenetic location: 3p22.2.
Variant type: single nucleotide variant.
Coding change: c.95A>G on transcript NM_006514.4 (MANE Select); coding-DNA position 95, A replaced by G.
Protein change: p.Gln32Arg; replaces glutamine 32 with arginine.
Molecular consequence: missense variant.
Genome position (GRCh38, 1-based): chr3:38,793,916, T>C on the plus strand (A>G on the coding strand, the complement: SCN10A is on the minus strand). VCF-style: chr3-38793916-T-C. GRCh37 (hg19) VCF-style: chr3-38835407-T-C.
Other names: c.95A>G, p.Gln32Arg (NM_001293306.2, NM_001293307.2); short protein forms Q32R.
Identifiers: ClinVar variation 1520920 (VCV001520920.8), dbSNP rs2064318777, ClinGen allele CA352163195.

ClinVar aggregate classification (germline): Uncertain significance (1 of 4 stars; one submission).

Conditions:
Brugada syndrome. Also called: Sudden unexpected nocturnal death syndrome; Sudden Unexplained Nocturnal Death Syndrome (SUNDS); Sudden Unexplained Death Syndrome; Sudden unexplained nocturnal death syndrome. Identifiers: Orphanet 130, MedGen C1142166, MONDO:0015263.

Allele frequency attached by ClinVar (database versions not stated): gnomAD exomes below 0.00001; TOPMed 0.00001.

Submission:

Labcorp Genetics (formerly Invitae), Labcorp
Classification: Uncertain significance for Brugada syndrome. Last evaluated: 2021-04-08. Review status: criteria provided, single submitter. Criteria: Invitae Variant Classification Sherloc (09022015). Collection method: clinical testing. Allele origin: germline.
Comment: This sequence change replaces glutamine with arginine at codon 32 of the SCN10A protein (p.Gln32Arg). The glutamine residue is weakly conserved and there is a small physicochemical difference between glutamine and arginine. This variant is not present in population databases (ExAC no frequency). This variant has not been reported in the literature in individuals with SCN10A-related conditions. Advanced modeling of protein sequence and biophysical properties (such as structural, functional, and spatial information, amino acid conservation, physicochemical variation, residue mobility, and thermodynamic stability) performed at Invitae indicates that this missense variant is not expected to disrupt SCN10A protein function. In summary, the available evidence is currently insufficient to determine the role of this variant in disease. Therefore, it has been classified as a Variant of Uncertain Significance.